The following is an entry in ClinVar:

NC_000018.9:g.(?_29598827)_(29648347_?)dup

Gene: RNF125 (ring finger protein 125; plus strand). Cytogenetic location: 18q12.1.
Variant type: Duplication.
Identifiers: ClinVar variation 2426359 (VCV002426359.4).

ClinVar aggregate classification (germline): Uncertain significance (1 of 4 stars; one submission).

Conditions:
Tenorio syndrome (TNORS). Also called: OVERGROWTH, MACROCEPHALY, AND INTELLECTUAL DISABILITY SYNDROME. Identifiers: MedGen C4015710, MONDO:0014553, OMIM 616260.

Submission:

Labcorp Genetics (formerly Invitae), Labcorp
Classification: Uncertain significance for Tenorio syndrome. Last evaluated: 2022-09-06. Review status: criteria provided, single submitter. Criteria: Invitae Variant Classification Sherloc (09022015). Collection method: clinical testing. Allele origin: germline.
Comment: In summary, the available evidence is currently insufficient to determine the role of this variant in disease. Therefore, it has been classified as a Variant of Uncertain Significance. This variant has not been reported in the literature in individuals affected with RNF125-related conditions. A copy number gain of the genomic region encompassing the full coding sequence of the RNF125 gene has been identified. The boundaries of this event are unknown as they extend beyond the assayed region for this gene and therefore may encompass additional genes. As the precise location of this event is unknown, it may be in tandem or it may be located elsewhere in the genome.